The following is an entry in ClinVar:

NM_002292.4(LAMB2):c.1891-5C>T

Gene: LAMB2 (laminin subunit beta 2; minus strand). Cytogenetic location: 3p21.31.
Variant type: single nucleotide variant.
Coding change: c.1891-5C>T on transcript NM_002292.4 (MANE Select); 5 bases into the intron before coding-DNA position 1891, C replaced by T.
Molecular consequence: intron variant.
Genome position (GRCh38, 1-based): chr3:49,128,590, G>A on the plus strand (C>T on the coding strand, the complement: LAMB2 is on the minus strand). VCF-style: chr3-49128590-G-A. GRCh37 (hg19) VCF-style: chr3-49166023-G-A.
Identifiers: ClinVar variation 3866300 (VCV003866300.2).

ClinVar aggregate classification (germline): Conflicting classifications of pathogenicity. Review status: criteria provided, conflicting classifications (1 of 4 stars). 2 submissions from 2 submitters: Uncertain significance (1); Likely benign (1). Last evaluated 2026-01-05.

Conditions:
Pierson syndrome. Also called: MICROCORIA-CONGENITAL NEPHROTIC SYNDROME. Identifiers: Orphanet 2670, MedGen C1836876, MONDO:0012184, OMIM 609049.
LAMB2-related infantile-onset nephrotic syndrome. Also called: NEPHROTIC SYNDROME, TYPE 5, WITHOUT OCULAR ABNORMALITIES; NEPHROTIC SYNDROME, TYPE 5, WITH OCULAR ABNORMALITIES; Nephrotic Syndrome, type 5. Identifiers: Orphanet 306507, MedGen C3280113, MONDO:0013621, OMIM 614199.
Inborn genetic diseases. Identifiers: MedGen C0950123, MeSH D030342.

gnomAD v4.1: 7 of 1,614,136 alleles (0.00043%); highest among the groups gnomAD compares: East Asian, 0.013%; no homozygotes.

Submissions (2):

Labcorp Genetics (formerly Invitae), Labcorp
Classification: Likely benign for LAMB2-related infantile-onset nephrotic syndrome; Pierson syndrome. Last evaluated: 2026-01-05. Review status: criteria provided, single submitter. Criteria: Invitae Variant Classification Sherloc (09022015). Collection method: clinical testing. Allele origin: germline.

Ambry Genetics
Classification: Uncertain significance for Inborn genetic diseases. Last evaluated: 2025-01-29. Review status: criteria provided, single submitter. Criteria: Ambry Variant Classification Scheme 2023. Collection method: clinical testing. Allele origin: germline.
Comment: The c.1891-5C>T intronic alteration consists of a C to T substitution 5 nucleotides before coding exon 15 in the LAMB2 gene. Based on insufficient or conflicting evidence, the clinical significance of this alteration remains unclear.